The following is an entry in ClinVar:

GRCh38/hg38 15q13.3(chr15:31729530-32218662)x3

Genes: CHRNA7 (cholinergic receptor nicotinic alpha 7 subunit), OTUD7A (OTU deubiquitinase 7A; minus strand), LOC125078053 (Sharpr-MPRA regulatory region 11410; plus strand), LOC129390681 (MPRA-validated peak2289 silencer), LOC130056727 (ATAC-STARR-seq lymphoblastoid silent region 6268; plus strand). Cytogenetic location: 15q13.3.
Variant type: copy number gain.
Change: copy number 3 (three copies instead of two) of chr15:31,729,530-32,218,662 (489.1 kb, GRCh38 coordinates, 1-based), cytogenetic band 15q13.3.
Identifiers: ClinVar variation 146899 (VCV000146899.3).

ClinVar aggregate classification (germline): conflicting data from submitters (0 of 4 stars; one submission).

Submission:

ISCA site 8
Classification: conflicting data from submitters. Last evaluated: 2010-01-30. Review status: no assertion criteria provided. Collection method: clinical testing. Allele origin: paternal, unknown. Affected: yes. Observed: 3 variant alleles. Clinical features observed: Global developmental delay (HP:0001263).
Comment: Uncertain significance(1), Benign (2)

Copy number variation identified through the course of routine clinical cytogenomic testing in postnatal populations, with clinical assertions as classified by the original submitter.